The following is an entry in ClinVar:

ClinVar aggregate classification (germline): Uncertain significance (1 of 4 stars; one submission).

gnomAD v4.1: 2 of 1,602,828 alleles (0.00012%); highest among the groups gnomAD compares: Non-Finnish European, 0.00017%; no homozygotes.

Submission:

Labcorp Genetics (formerly Invitae), Labcorp
Classification: Uncertain significance. Last evaluated: 2023-11-04. Review status: criteria provided, single submitter. Criteria: Invitae Variant Classification Sherloc (09022015). Collection method: clinical testing. Allele origin: germline.
Comment: This sequence change replaces asparagine, which is neutral and polar, with serine, which is neutral and polar, at codon 90 of the PTDSS1 protein (p.Asn90Ser). This variant is present in population databases (no rsID available, gnomAD 0.0009%). This variant has not been reported in the literature in individuals affected with PTDSS1-related conditions. An algorithm developed to predict the effect of missense changes on protein structure and function (PolyPhen-2) suggests that this variant is likely to be tolerated. In summary, the available evidence is currently insufficient to determine the role of this variant in disease. Therefore, it has been classified as a Variant of Uncertain Significance.

NM_014754.3(PTDSS1):c.269A>G (p.Asn90Ser)

Gene: PTDSS1 (phosphatidylserine synthase 1; plus strand). Cytogenetic location: 8q22.1.
Variant type: single nucleotide variant.
Coding change: c.269A>G on transcript NM_014754.3 (MANE Select); coding-DNA position 269, A replaced by G.
Protein change: p.Asn90Ser; replaces asparagine 90 with serine.
Molecular consequence: missense variant. On other transcripts: initiator codon variant (1).
Genome position (GRCh38, 1-based): chr8:96,273,388, A>G. VCF-style: chr8-96273388-A-G. GRCh37 (hg19) VCF-style: chr8-97285616-A-G.
Other names: c.1A>G, p.Met1Val (NM_001290225.2); short protein forms M1V, N90S.
Identifiers: ClinVar variation 2693252 (VCV002693252.3), dbSNP rs1258371359, ClinGen allele CA371753291.
Genomic context (GRCh38, chr8:96,273,388, plus strand): 5'-GGAGAGGCATCCTCTCTGTTATTTTCTTCTTTCTTATCATCAGTGTGTTAGCTTTCCCCA[A>G]TGGTAAGTAATGTCATGCATTACCACATTTCTCCTATATTGTGCCTTTCTGGTTTTTTTG-3'
Protein context (NP_055569.1, residues 80-100): FLIISVLAFP[Asn90Ser]GPFTRPHPAL